The following is an entry in ClinVar:

NM_014846.4(WASHC5):c.572G>A (p.Arg191Gln)

Gene: WASHC5 (WASH complex subunit 5; minus strand). Cytogenetic location: 8q24.13.
Variant type: single nucleotide variant.
Coding change: c.572G>A on transcript NM_014846.4 (MANE Select); coding-DNA position 572, G replaced by A.
Protein change: p.Arg191Gln; replaces arginine 191 with glutamine.
Molecular consequence: missense variant.
Genome position (GRCh38, 1-based): chr8:125,078,877, C>T on the plus strand (G>A on the coding strand, the complement: WASHC5 is on the minus strand). VCF-style: chr8-125078877-C-T. GRCh37 (hg19) VCF-style: chr8-126091119-C-T.
Other names: c.128G>A, p.Arg43Gln (NM_001330609.2); short protein forms R191Q, R43Q.
Identifiers: ClinVar variation 662823 (VCV000662823.10), dbSNP rs1586384678, ClinGen allele CA372196447.

ClinVar aggregate classification (germline): Uncertain significance (1 of 4 stars; one submission).

Conditions:
Hereditary spastic paraplegia 8 (SPG8). Also called: SPASTIC PARAPLEGIA 8, AUTOSOMAL DOMINANT. Identifiers: Orphanet 100989, MedGen C1863704, MONDO:0011339, OMIM 603563.
Ritscher-Schinzel syndrome. Also called: CRANIOCEREBELLOCARDIAC DYSPLASIA. Identifiers: Orphanet 7, MedGen C0796137, MONDO:0019078.

Allele frequency attached by ClinVar (database versions not stated): gnomAD exomes below 0.00001.
gnomAD v4.1: 4 of 1,613,806 alleles (0.00025%); highest among the groups gnomAD compares: South Asian, 0.0011%; no homozygotes.

Submission:

Labcorp Genetics (formerly Invitae), Labcorp
Classification: Uncertain significance for Ritscher-Schinzel syndrome; Hereditary spastic paraplegia 8. Last evaluated: 2018-11-12. Review status: criteria provided, single submitter. Criteria: Invitae Variant Classification Sherloc (09022015). Collection method: clinical testing. Allele origin: germline.
Comment: In summary, the available evidence is currently insufficient to determine the role of this variant in disease. Therefore, it has been classified as a Variant of Uncertain Significance. Algorithms developed to predict the effect of missense changes on protein structure and function are either unavailable or do not agree on the potential impact of this missense change (SIFT: "Deleterious"; PolyPhen-2: "Probably Damaging"; Align-GVGD: "Class C0"). This variant has not been reported in the literature in individuals with WASHC5-related disease. This variant is not present in population databases (ExAC no frequency). This sequence change replaces arginine with glutamine at codon 191 of the WASHC5 protein (p.Arg191Gln). The arginine residue is moderately conserved and there is a small physicochemical difference between arginine and glutamine.